The following is an entry in ClinVar:

NM_001267550.2(TTN):c.92438T>C (p.Ile30813Thr)

Genes: TTN (titin; minus strand), TTN-AS1 (TTN antisense RNA 1; plus strand). Cytogenetic location: 2q31.2.
Variant type: single nucleotide variant.
Coding change: c.92438T>C on transcript NM_001267550.2 (MANE Select); coding-DNA position 92438, T replaced by C.
Protein change: p.Ile30813Thr; replaces isoleucine 30813 with threonine.
Molecular consequence: missense variant.
Genome position (GRCh38, 1-based): chr2:178,549,188, A>G on the plus strand (T>C on the coding strand, the complement: TTN is on the minus strand). VCF-style: chr2-178549188-A-G. GRCh37 (hg19) VCF-style: chr2-179413915-A-G.
Other names: c.87515T>C, p.Ile29172Thr (NM_001256850.1); c.65243T>C, p.Ile21748Thr (NM_003319.4); c.84734T>C, p.Ile28245Thr (NM_133378.4); c.65618T>C, p.Ile21873Thr (NM_133432.3); c.65819T>C, p.Ile21940Thr (NM_133437.4); c.92438T>C (NM_001267550.1); short protein forms I21748T, I21873T, I21940T, I28245T, I29172T, I30813T.
Identifiers: ClinVar variation 1189854 (VCV001189854.4), dbSNP rs768897840, ClinGen allele CA1987445.
Genomic context (GRCh38, chr2:178,549,188, plus strand): 5'-GTGTCTGTTACTTTGACCACTGTGGGAGGACCTGGTGGGTTGACGGGCTCTCTACATTTA[A>G]TGAGTCTTGAGATGCCACTTGCAGGTCCAACTCCTGCAGCATTTTCAGCCATGACATGGA-3'
Protein context (NP_001254479.2, residues 30803-30823): VGPASGISRL[Ile30813Thr]KCREPVNPPG

ClinVar aggregate classification (germline): Conflicting classifications of pathogenicity. Review status: criteria provided, conflicting classifications (1 of 4 stars). 3 submissions from 3 submitters: Uncertain significance (2); Likely benign (1). Last evaluated 2026-08-20.

Conditions:
TTN-related disorder. Also called: TTN-related disorders; TTN-related condition; TTN-related disease.

Allele frequency attached by ClinVar (database versions not stated): ExAC 0.00001; gnomAD 0.00001; TOPMed 0.00001; gnomAD exomes 0.00002 and 0.00003.
gnomAD v4.1: 47 of 1,613,634 alleles (0.0029%); highest among the groups gnomAD compares: Non-Finnish European, 0.0034%; no homozygotes.

Submissions (3):

PreventionGenetics, part of Exact Sciences
Classification: Uncertain significance for TTN-related condition. Last evaluated: 2026-08-20. Review status: criteria provided, single submitter. Criteria: ACMG Guidelines, 2015. Collection method: clinical testing. Allele origin: germline.
Comment: The TTN c.92438T>C variant is predicted to result in the amino acid substitution p.Ile30813Thr. To our knowledge, this variant has not been reported in the literature. This variant is reported in 0.0044% of alleles in individuals of European (Non-Finnish) descent in gnomAD. At this time, the clinical significance of this variant is uncertain due to the absence of conclusive functional and genetic evidence.

Athena Diagnostics
Classification: Uncertain significance. Last evaluated: 2025-01-03. Review status: criteria provided, single submitter. Criteria: Athena Diagnostics Criteria. Collection method: clinical testing. Allele origin: unknown.
Comment: Available data are insufficient to determine the clinical significance of the variant at this time. The frequency of this variant in the general population is uninformative in assessment of its pathogenicity. Polyphen and MutationTaster yielded discordant predictions regarding whether this amino acid change is damaging to the protein.

GeneDx
Classification: Likely benign. Last evaluated: 2021-06-09. Review status: criteria provided, single submitter. Criteria: GeneDx Variant Classification Process June 2021. Collection method: clinical testing. Allele origin: germline. Affected: yes.
Comment: This variant is associated with the following publications: (PMID: 27535533)